The following is an entry in ClinVar:

ClinVar aggregate classification (germline): Uncertain significance (1 of 4 stars; one submission).

Conditions:
Autosomal dominant centronuclear myopathy. Also called: MYOTUBULAR MYOPATHY, AUTOSOMAL DOMINANT; Myopathy, centronuclear, 3. Identifiers: Orphanet 169189, MedGen C4551952, MeSH D020914, MONDO:0008048, OMIM 160150.

Allele frequency attached by ClinVar (database versions not stated): gnomAD 0.00001; gnomAD exomes 0.00001 and 0.00002; TOPMed 0.00002.

Submission:

Labcorp Genetics (formerly Invitae), Labcorp
Classification: Uncertain significance for Autosomal dominant centronuclear myopathy. Last evaluated: 2022-07-05. Review status: criteria provided, single submitter. Criteria: Invitae Variant Classification Sherloc (09022015). Collection method: clinical testing. Allele origin: germline.
Comment: In summary, the available evidence is currently insufficient to determine the role of this variant in disease. Therefore, it has been classified as a Variant of Uncertain Significance. Algorithms developed to predict the effect of missense changes on protein structure and function (SIFT, PolyPhen-2, Align-GVGD) all suggest that this variant is likely to be disruptive. ClinVar contains an entry for this variant (Variation ID: 1429562). This variant has not been reported in the literature in individuals affected with MYF6-related conditions. This variant is present in population databases (no rsID available, gnomAD 0.009%). This sequence change replaces phenylalanine, which is neutral and non-polar, with cysteine, which is neutral and slightly polar, at codon 6 of the MYF6 protein (p.Phe6Cys).

NM_002469.3(MYF6):c.17T>G (p.Phe6Cys)

Gene: MYF6 (myogenic factor 6; plus strand). Cytogenetic location: 12q21.31.
Variant type: single nucleotide variant.
Coding change: c.17T>G on transcript NM_002469.3 (MANE Select); coding-DNA position 17, T replaced by G.
Protein change: p.Phe6Cys; replaces phenylalanine 6 with cysteine.
Molecular consequence: missense variant.
Genome position (GRCh38, 1-based): chr12:80,707,736, T>G. VCF-style: chr12-80707736-T-G. GRCh37 (hg19) VCF-style: chr12-81101515-T-G.
Other names: short protein forms F6C.
Identifiers: ClinVar variation 1429562 (VCV001429562.9), dbSNP rs1346404270, ClinGen allele CA385860436.